The following is an entry in ClinVar:

ClinVar aggregate classification (germline): Uncertain significance. Review status: criteria provided, multiple submitters, no conflicts (2 of 4 stars). 3 submissions from 3 submitters: Uncertain significance (3). Last evaluated 2025-11-09.

Conditions:
Hereditary cancer-predisposing syndrome. Also called: Neoplastic Syndromes, Hereditary; Hereditary Cancer Syndrome; Hereditary neoplastic syndrome; Tumor predisposition. Identifiers: Orphanet 140162, MedGen C0027672, MeSH D009386, MONDO:0015356.
Hereditary diffuse gastric adenocarcinoma (HDGC). Also called: DIFFUSE GASTRIC AND LOBULAR BREAST CANCER SYNDROME. Identifiers: Orphanet 26106, MedGen C1708349, MONDO:0007648, OMIM 137215.

Submissions (3):

Labcorp Genetics (formerly Invitae), Labcorp
Classification: Uncertain significance for Hereditary diffuse gastric adenocarcinoma. Last evaluated: 2025-11-09. Review status: criteria provided, single submitter. Criteria: Invitae Variant Classification Sherloc (09022015). Collection method: clinical testing. Allele origin: germline.
Comment: This sequence change replaces valine, which is neutral and non-polar, with methionine, which is neutral and non-polar, at codon 216 of the CDH1 protein (p.Val216Met). This variant is not present in population databases (gnomAD no frequency). This variant has not been reported in the literature in individuals affected with CDH1-related conditions. ClinVar contains an entry for this variant (Variation ID: 141759). An algorithm developed to predict the effect of missense changes on protein structure and function (PolyPhen-2) suggests that this variant is likely to be disruptive. In summary, the available evidence is currently insufficient to determine the role of this variant in disease. Therefore, it has been classified as a Variant of Uncertain Significance.

Color Diagnostics, LLC DBA Color Health
Classification: Uncertain significance for Hereditary cancer-predisposing syndrome. Last evaluated: 2023-12-04. Review status: criteria provided, single submitter. Criteria: ACMG Guidelines, 2015. Collection method: clinical testing. Allele origin: germline.
Comment: This missense variant replaces valine with methionine at codon 216 of the CDH1 protein. To our knowledge, functional studies have not been reported for this variant. This variant has not been reported in individuals affected with hereditary cancer in the literature. This variant has not been identified in the general population by the Genome Aggregation Database (gnomAD). The available evidence is insufficient to determine the role of this variant in disease conclusively. Therefore, this variant is classified as a Variant of Uncertain Significance.

Ambry Genetics
Classification: Uncertain significance for Hereditary cancer-predisposing syndrome. Last evaluated: 2013-11-24. Review status: criteria provided, single submitter. Criteria: Ambry Autosomal Dominant and X-Linked criteria (10/2015). Collection method: clinical testing. Allele origin: germline. Observed: 1 variant allele.
Comment: Ã¢â‚¬â€¹The p.V216M variant (also known as c.646G>A) is located in coding exon 5 of the CDH1 gene. This alteration results from a G to A substitution at nucleotide position 646. The valine at codon 216 is replaced by methionine, an amino acid with highly similar properties. This variant was not reported in population-based cohorts in the following databases: Database of Single Nucleotide Polymorphisms (dbSNP), NHLBI Exome Sequencing Project (ESP) and 1000 Genomes Project. To date, this alteration has been detected with an allele frequency of approximately 0.01% (greater than 10,000 alleles tested) in our clinical cohort (includes this individual). Based on protein sequence alignment, this amino acid position is highly conserved in available vertebrate species. In addition, the in silico prediction for this alteration is inconclusive. Since supporting evidence is limited at this time, the clinical significance of p.V216M remains unclear.

NM_004360.5(CDH1):c.646G>A (p.Val216Met)

Gene: CDH1 (cadherin 1; plus strand). Cytogenetic location: 16q22.1.
Variant type: single nucleotide variant.
Coding change: c.646G>A on transcript NM_004360.5 (MANE Select); coding-DNA position 646, G replaced by A.
Protein change: p.Val216Met; replaces valine 216 with methionine.
Molecular consequence: missense variant. On other transcripts: 5 prime UTR variant (2).
Genome position (GRCh38, 1-based): chr16:68,808,807, G>A. VCF-style: chr16-68808807-G-A. GRCh37 (hg19) VCF-style: chr16-68842710-G-A.
Other names: c.646G>A, p.Val216Met (NM_001317184.2); c.-970G>A (NM_001317185.2); c.-1174G>A (NM_001317186.2); c.646G>A (LRG_301t1); short protein forms V216M.
Identifiers: ClinVar variation 141759 (VCV000141759.8), dbSNP rs587781989, ClinGen allele CA166312.